The following is an entry in ClinVar:

NM_001384474.1(LOXHD1):c.4818C>T (p.Ala1606=)

Gene: LOXHD1 (lipoxygenase homology PLAT domains 1; minus strand). Cytogenetic location: 18q21.1.
Variant type: single nucleotide variant.
Coding change: c.4818C>T on transcript NM_001384474.1 (MANE Select); coding-DNA position 4818, C replaced by T.
Protein change: p.Ala1606=; no amino-acid change (alanine 1606 retained).
Molecular consequence: synonymous variant.
Genome position (GRCh38, 1-based): chr18:46,524,524, G>A on the plus strand (C>T on the coding strand, the complement: LOXHD1 is on the minus strand). VCF-style: chr18-46524524-G-A. GRCh37 (hg19) VCF-style: chr18-44104487-G-A.
Other names: c.1485C>T, p.Ala495= (NM_001145472.3); c.1197C>T, p.Ala399= (NM_001308013.2); c.4818C>T, p.Ala1606= (NM_144612.7).
Identifiers: ClinVar variation 720776 (VCV000720776.13), dbSNP rs976758061, ClinGen allele CA299801728.

ClinVar aggregate classification (germline): Likely benign. Review status: criteria provided, single submitter (1 of 4 stars). 3 submissions from 3 submitters: Likely benign (1). 2 of the submissions do not count toward it. Last evaluated 2025-08-15.

Conditions:
Autosomal recessive nonsyndromic hearing loss 77. Identifiers: Orphanet 90636, MedGen C2746083, MONDO:0013119, OMIM 613079.
LOXHD1-related disorder. Also called: LOXHD1-related condition.

Allele frequency attached by ClinVar (database versions not stated): gnomAD 0.00001; TOPMed 0.00003.
gnomAD v4.1: 47 of 1,551,536 alleles (0.003%); highest among the groups gnomAD compares: South Asian, 0.0048%; no homozygotes.

Submissions (3):

Labcorp Genetics (formerly Invitae), Labcorp
Classification: Likely benign. Last evaluated: 2025-08-15. Review status: criteria provided, single submitter. Criteria: Invitae Variant Classification Sherloc (09022015). Collection method: clinical testing. Allele origin: germline.

Natera, Inc.
Classification: Uncertain significance for Autosomal recessive deafness type 77. Last evaluated: 2020-02-13. Review status: no assertion criteria provided. Collection method: clinical testing. Allele origin: germline. Not counted in ClinVar's aggregate classification.

PreventionGenetics, part of Exact Sciences
Classification: Likely benign for LOXHD1-related condition. Last evaluated: 2020-01-10. Review status: no assertion criteria provided. Collection method: clinical testing. Allele origin: germline. Not counted in ClinVar's aggregate classification.
Comment: This variant is classified as likely benign based on ACMG/AMP sequence variant interpretation guidelines (Richards et al. 2015 PMID: 25741868, with internal and published modifications).